The following is an entry in ClinVar:

NM_000038.6(APC):c.5929C>A (p.Gln1977Lys)

Gene: APC (APC regulator of Wnt signaling pathway; plus strand). Cytogenetic location: 5q22.2.
Variant type: single nucleotide variant.
Coding change: c.5929C>A on transcript NM_000038.6 (MANE Select); coding-DNA position 5929, C replaced by A.
Protein change: p.Gln1977Lys; replaces glutamine 1977 with lysine.
Molecular consequence: missense variant. On other transcripts: non-coding transcript variant (2).
Genome position (GRCh38, 1-based): chr5:112,841,523, C>A. VCF-style: chr5-112841523-C-A. GRCh37 (hg19) VCF-style: chr5-112177220-C-A.
Other names: c.5929C>A, p.Gln1977Lys (NM_001127510.3, NM_001407450.1, NM_001354895.2); c.5875C>A, p.Gln1959Lys (NM_001127511.3); c.5449C>A, p.Gln1817Lys (NM_001354905.2); c.5080C>A, p.Gln1694Lys (NM_001354906.2, NM_001407470.1); c.6013C>A, p.Gln2005Lys (NM_001407446.1); c.5983C>A, p.Gln1995Lys (NM_001407447.1, NM_001407448.1, NM_001407449.1 and 1 more transcripts); c.5908C>A, p.Gln1970Lys (NM_001407451.1); c.5899C>A, p.Gln1967Lys (NM_001407452.1); and 11 more; short protein forms Q1876K, Q1918K, Q1936K, Q2005K, Q1694K, Q1848K, Q1886K, Q1995K.
Identifiers: ClinVar variation 4825075 (VCV004825075.1).
Genomic context (GRCh38, chr5:112,841,523, plus strand): 5'-GAAAATACTCCGGTTTGCTTTTCTCATAATTCCTCTCTGAGTTCTCTCAGTGACATTGAC[C>A]AAGAAAACAACAATAAAGAAAATGAACCTATCAAAGAGACTGAGCCCCCTGACTCACAGG-3'
Protein context (NP_000029.2, residues 1967-1987): SSLSSLSDID[Gln1977Lys]ENNNKENEPI

ClinVar aggregate classification (germline): Uncertain significance (1 of 4 stars; one submission).

Conditions:
Hereditary cancer-predisposing syndrome. Also called: Neoplastic Syndromes, Hereditary; Tumor predisposition; Hereditary Cancer Syndrome; Hereditary neoplastic syndrome. Identifiers: Orphanet 140162, MedGen C0027672, MeSH D009386, MONDO:0015356.

gnomAD v4.1: 2 of 1,613,790 alleles (0.00012%); highest among the groups gnomAD compares: Non-Finnish European, 0.00017%; no homozygotes.

Submission:

Ambry Genetics
Classification: Uncertain significance for Hereditary cancer-predisposing syndrome. Last evaluated: 2026-02-20. Review status: criteria provided, single submitter. Criteria: Ambry Variant Classification Scheme 2023. Collection method: clinical testing. Allele origin: germline.
Comment: The p.Q1977K variant (also known as c.5929C>A), located in coding exon 15 of the APC gene, results from a C to A substitution at nucleotide position 5929. The glutamine at codon 1977 is replaced by lysine, an amino acid with similar properties. This amino acid position is conserved. In addition, in silico predictors for this gene do not accurately predict pathogenicity. Based on the available evidence, the clinical significance of this variant remains unclear.